The following is an entry in ClinVar:

NM_012233.3(RAB3GAP1):c.1499G>C (p.Gly500Ala)

Gene: RAB3GAP1 (RAB3 GTPase activating protein catalytic subunit 1; plus strand). Cytogenetic location: 2q21.3.
Variant type: single nucleotide variant.
Coding change: c.1499G>C on transcript NM_012233.3 (MANE Select); coding-DNA position 1499, G replaced by C.
Protein change: p.Gly500Ala; replaces glycine 500 with alanine.
Molecular consequence: missense variant.
Genome position (GRCh38, 1-based): chr2:135,134,033, G>C. VCF-style: chr2-135134033-G-C. GRCh37 (hg19) VCF-style: chr2-135891603-G-C.
Other names: c.1499G>C, p.Gly500Ala (NM_001172435.2); short protein forms G500A.
Identifiers: ClinVar variation 2229228 (VCV002229228.2), dbSNP rs1691617752, ClinGen allele CA348576172.

ClinVar aggregate classification (germline): Uncertain significance (1 of 4 stars; one submission).

Conditions:
Inborn genetic diseases. Identifiers: MedGen C0950123, MeSH D030342.

gnomAD v4.1: 1 of 1,613,410 alleles (0.000062%); no homozygotes.

Submission:

Ambry Genetics
Classification: Uncertain significance for Inborn genetic diseases. Last evaluated: 2021-03-02. Review status: criteria provided, single submitter. Criteria: Ambry Variant Classification Scheme 2023. Collection method: clinical testing. Allele origin: germline.
Comment: The c.1499G>C (p.G500A) alteration is located in exon 15 (coding exon 15) of the RAB3GAP1 gene. This alteration results from a G to C substitution at nucleotide position 1499, causing the glycine (G) at amino acid position 500 to be replaced by an alanine (A). The p.G500A alteration is predicted to be tolerated by in silico analysis. Based on insufficient or conflicting evidence, the clinical significance of this alteration remains unclear.